The following is an entry in ClinVar:

NM_005422.4(TECTA):c.2638A>G (p.Thr880Ala)

Genes: TBCEL-TECTA (TBCEL-TECTA readthrough; plus strand), TECTA (tectorin alpha; plus strand), LOC126861365 (P300/CBP strongly-dependent group 1 enhancer GRCh37_chr11:121000154-121001353; plus strand). Cytogenetic location: 11q23.3.
Variant type: single nucleotide variant.
Coding change: c.2638A>G on transcript NM_005422.4 (MANE Select); coding-DNA position 2638, A replaced by G.
Protein change: p.Thr880Ala; replaces threonine 880 with alanine.
Molecular consequence: missense variant.
Genome position (GRCh38, 1-based): chr11:121,129,908, A>G. VCF-style: chr11-121129908-A-G. GRCh37 (hg19) VCF-style: chr11-121000617-A-G.
Other names: c.3595A>G, p.Thr1199Ala (NM_001378761.1); short protein forms T880A, T1199A.
Identifiers: ClinVar variation 229295 (VCV000229295.18), dbSNP rs143315827, ClinGen allele CA6327032.

ClinVar aggregate classification (germline): Conflicting classifications of pathogenicity. Review status: criteria provided, conflicting classifications (1 of 4 stars). 7 submissions from 7 submitters: Uncertain significance (4); Benign (1); Likely benign (2). Last evaluated 2026-03-29.

Conditions:
TECTA-related disorder. Also called: TECTA-related condition.
Inborn genetic diseases. Identifiers: MedGen C0950123, MeSH D030342.

Allele frequency attached by ClinVar (database versions not stated): gnomAD exomes 0.00004 and 0.00014; ExAC 0.00020; gnomAD 0.00046; TOPMed 0.00053; ESP Exome Variant Server 0.00069; 1000 Genomes Project 30x 0.00109; 1000 Genomes Project 0.00120.
gnomAD v4.1: 131 of 1,613,964 alleles (0.0081%); highest among the groups gnomAD compares: African/African-American, 0.15%; no homozygotes.

Submissions (7):

PreventionGenetics, part of Exact Sciences
Classification: Likely benign for TECTA-related condition. Last evaluated: 2026-03-29. Review status: criteria provided, single submitter. Criteria: ACMG Guidelines, 2015. Collection method: clinical testing. Allele origin: germline.
Comment: This variant is classified as likely benign based on ACMG/AMP sequence variant interpretation guidelines (Richards et al. 2015 PMID: 25741868, with internal and published modifications).

Women's Health and Genetics/Laboratory Corporation of America, LabCorp
Classification: Uncertain significance. Last evaluated: 2026-02-25. Review status: criteria provided, single submitter. Criteria: LabCorp Variant Classification Summary - May 2015. Collection method: clinical testing. Allele origin: germline.
Comment: Variant summary: TECTA c.2638A>G (p.Thr880Ala) results in a non-conservative amino acid change in the encoded protein sequence. Algorithms developed to predict the effect of missense changes on protein structure and function are either unavailable or do not agree on the potential impact of this missense change. The variant allele was found at a frequency of 0.00014 in 251092 control chromosomes, predominantly at a frequency of 0.0021 within the African or African-American subpopulation in the gnomAD database. This frequency is not significantly higher than estimated for disease-causing variants in TECTA, allowing no conclusion about variant significance. To our knowledge, no occurrence of c.2638A>G in individuals affected with TECTA-related conditions and no experimental evidence demonstrating its impact on protein function have been reported. ClinVar contains an entry for this variant (Variation ID: 229295). Based on the evidence outlined above, the variant was classified as uncertain significance.

Labcorp Genetics (formerly Invitae), Labcorp
Classification: Benign. Last evaluated: 2025-01-22. Review status: criteria provided, single submitter. Criteria: Invitae Variant Classification Sherloc (09022015). Collection method: clinical testing. Allele origin: germline.

GeneDx
Classification: Likely benign. Last evaluated: 2024-10-29. Review status: criteria provided, single submitter. Criteria: GeneDx Variant Classification Process June 2021. Collection method: clinical testing. Allele origin: germline. Affected: yes.
Comment: See Variant Classification Assertion Criteria.

Blueprint Genetics
Classification: Uncertain significance. Last evaluated: 2024-06-20. Review status: criteria provided, single submitter. Criteria: ACMG Guidelines, 2015. Collection method: clinical testing. Allele origin: germline.

Ambry Genetics
Classification: Uncertain significance for Inborn genetic diseases. Last evaluated: 2023-12-13. Review status: criteria provided, single submitter. Criteria: Ambry Variant Classification Scheme 2023. Collection method: clinical testing. Allele origin: germline.

Laboratory for Molecular Medicine, Mass General Brigham Personalized Medicine
Classification: Uncertain significance. Last evaluated: 2015-08-26. Review status: criteria provided, single submitter. Criteria: LMM Criteria. Collection method: clinical testing. Allele origin: germline. Observed: 1 variant allele.
Comment: Variant classified as Uncertain Significance - Favor Benign. The p.Thr880Ala var iant in TECTA has not been previously reported in individuals with hearing loss, but has been identified in 0.23 % (24/10400) of African chromosomes by the Exom e Aggregation Consortium (ExAC; rs143315827). Co mputational prediction tools and conservation analysis do not provide strong sup port for or against an impact to the protein. In summary, while the clinical sig nificance of the p.Thr880Ala variant is uncertain, these data suggest it is more likely to be benign.